The following is an entry in ClinVar:

ClinVar aggregate classification (germline): Uncertain significance (1 of 4 stars; one submission).

Conditions:
Early Myoclonic Encephalopathy. Identifiers: MedGen C0270855.

Submission:

Labcorp Genetics (formerly Invitae), Labcorp
Classification: Uncertain significance for Early Myoclonic Encephalopathy. Last evaluated: 2025-10-02. Review status: criteria provided, single submitter. Criteria: Invitae Variant Classification Sherloc (09022015). Collection method: clinical testing. Allele origin: germline.
Comment: This sequence change replaces alanine, which is neutral and non-polar, with glycine, which is neutral and non-polar, at codon 1499 of the JMJD1C protein (p.Ala1499Gly). This variant is not present in population databases (gnomAD no frequency). This variant has not been reported in the literature in individuals affected with JMJD1C-related conditions. ClinVar contains an entry for this variant (Variation ID: 2735506). Invitae Evidence Modeling of protein sequence and biophysical properties (such as structural, functional, and spatial information, amino acid conservation, physicochemical variation, residue mobility, and thermodynamic stability) indicates that this missense variant is not expected to disrupt JMJD1C protein function with a negative predictive value of 80%. In summary, the available evidence is currently insufficient to determine the role of this variant in disease. Therefore, it has been classified as a Variant of Uncertain Significance.

NM_032776.3(JMJD1C):c.4496C>G (p.Ala1499Gly)

Gene: JMJD1C (jumonji domain containing 1C; minus strand). Cytogenetic location: 10q21.3.
Variant type: single nucleotide variant.
Coding change: c.4496C>G on transcript NM_032776.3 (MANE Select); coding-DNA position 4496, C replaced by G.
Protein change: p.Ala1499Gly; replaces alanine 1499 with glycine.
Molecular consequence: missense variant. On other transcripts: non-coding transcript variant (1).
Genome position (GRCh38, 1-based): chr10:63,207,173, G>C on the plus strand (C>G on the coding strand, the complement: JMJD1C is on the minus strand). VCF-style: chr10-63207173-G-C. GRCh37 (hg19) VCF-style: chr10-64966933-G-C.
Other names: c.3950C>G, p.Ala1317Gly (NM_001282948.2, NM_001318154.2); c.3632C>G, p.Ala1211Gly (NM_001318153.2); c.4382C>G, p.Ala1461Gly (NM_001322252.2); c.3839C>G, p.Ala1280Gly (NM_001322254.2, NM_001322258.2); short protein forms A1317G, A1461G, A1499G, A1211G, A1280G.
Identifiers: ClinVar variation 2735506 (VCV002735506.3), dbSNP rs1846728407, ClinGen allele CA377037250.